The following is an entry in ClinVar:

NM_025099.6(CTC1):c.2602A>G (p.Ile868Val)

Gene: CTC1 (CST telomere replication complex component 1; minus strand). Cytogenetic location: 17p13.1.
Variant type: single nucleotide variant.
Coding change: c.2602A>G on transcript NM_025099.6 (MANE Select); coding-DNA position 2602, A replaced by G.
Protein change: p.Ile868Val; replaces isoleucine 868 with valine.
Molecular consequence: missense variant. On other transcripts: non-coding transcript variant (1).
Genome position (GRCh38, 1-based): chr17:8,231,343, T>C on the plus strand (A>G on the coding strand, the complement: CTC1 is on the minus strand). VCF-style: chr17-8231343-T-C. GRCh37 (hg19) VCF-style: chr17-8134661-T-C.
Other names: short protein forms I868V.
Identifiers: ClinVar variation 529190 (VCV000529190.8), dbSNP rs1555532937, ClinGen allele CA397975636.

ClinVar aggregate classification (germline): Uncertain significance (1 of 4 stars; one submission).

Conditions:
Dyskeratosis congenita. Identifiers: Orphanet 1775, MedGen C0265965, MONDO:0015780.

Allele frequency attached by ClinVar (database versions not stated): gnomAD exomes 0.00001.
gnomAD v4.1: 7 of 1,609,820 alleles (0.00043%); highest among the groups gnomAD compares: Non-Finnish European, 0.00059%; no homozygotes.

Submission:

Labcorp Genetics (formerly Invitae), Labcorp
Classification: Uncertain significance for Dyskeratosis congenita. Last evaluated: 2022-10-28. Review status: criteria provided, single submitter. Criteria: Invitae Variant Classification Sherloc (09022015). Collection method: clinical testing. Allele origin: germline.
Comment: This sequence change replaces isoleucine, which is neutral and non-polar, with valine, which is neutral and non-polar, at codon 868 of the CTC1 protein (p.Ile868Val). This variant is not present in population databases (gnomAD no frequency). This variant has not been reported in the literature in individuals affected with CTC1-related conditions. ClinVar contains an entry for this variant (Variation ID: 529190). Advanced modeling of protein sequence and biophysical properties (such as structural, functional, and spatial information, amino acid conservation, physicochemical variation, residue mobility, and thermodynamic stability) performed at Invitae indicates that this missense variant is not expected to disrupt CTC1 protein function. In summary, the available evidence is currently insufficient to determine the role of this variant in disease. Therefore, it has been classified as a Variant of Uncertain Significance.